The following is an entry in ClinVar:

ClinVar aggregate classification (germline): Uncertain significance (1 of 4 stars; one submission).

Submission:

Labcorp Genetics (formerly Invitae), Labcorp
Classification: Uncertain significance. Last evaluated: 2021-11-02. Review status: criteria provided, single submitter. Criteria: Invitae Variant Classification Sherloc (09022015). Collection method: clinical testing. Allele origin: germline.
Comment: This sequence change replaces serine, which is neutral and polar, with threonine, which is neutral and polar, at codon 526 of the ELP1 protein (p.Ser526Thr). This variant is not present in population databases (gnomAD no frequency). This variant has not been reported in the literature in individuals affected with ELP1-related conditions. Algorithms developed to predict the effect of missense changes on protein structure and function (SIFT, PolyPhen-2, Align-GVGD) all suggest that this variant is likely to be tolerated. In summary, the available evidence is currently insufficient to determine the role of this variant in disease. Therefore, it has been classified as a Variant of Uncertain Significance.

NM_003640.5(ELP1):c.1576T>A (p.Ser526Thr)

Gene: ELP1 (elongator acetyltransferase complex subunit 1; minus strand). Cytogenetic location: 9q31.3.
Variant type: single nucleotide variant.
Coding change: c.1576T>A on transcript NM_003640.5 (MANE Select); coding-DNA position 1576, T replaced by A.
Protein change: p.Ser526Thr; replaces serine 526 with threonine.
Molecular consequence: missense variant.
Genome position (GRCh38, 1-based): chr9:108,906,370, A>T on the plus strand (T>A on the coding strand, the complement: ELP1 is on the minus strand). VCF-style: chr9-108906370-A-T. GRCh37 (hg19) VCF-style: chr9-111668650-A-T.
Other names: c.1234T>A, p.Ser412Thr (NM_001318360.2); c.529T>A, p.Ser177Thr (NM_001330749.2); short protein forms S526T, S177T, S412T.
Identifiers: ClinVar variation 1390920 (VCV001390920.6), dbSNP rs2132003336, ClinGen allele CA374427460.